The following is an entry in ClinVar:

NM_006118.4(HAX1):c.134G>A (p.Gly45Asp)

Gene: HAX1 (HCLS1 associated protein X-1; plus strand). Cytogenetic location: 1q21.3.
Variant type: single nucleotide variant.
Coding change: c.134G>A on transcript NM_006118.4 (MANE Select); coding-DNA position 134, G replaced by A.
Protein change: p.Gly45Asp; replaces glycine 45 with aspartic acid.
Molecular consequence: missense variant. On other transcripts: intron variant (1).
Genome position (GRCh38, 1-based): chr1:154,273,416, G>A. VCF-style: chr1-154273416-G-A. GRCh37 (hg19) VCF-style: chr1-154245892-G-A.
Other names: c.54-64G>A (NM_001018837.2); short protein forms G45D.
Identifiers: ClinVar variation 3856851 (VCV003856851.1).

ClinVar aggregate classification (germline): Uncertain significance (1 of 4 stars; one submission).

Conditions:
Inborn genetic diseases. Identifiers: MedGen C0950123, MeSH D030342.

gnomAD v4.1: 24 of 1,614,076 alleles (0.0015%); highest among the groups gnomAD compares: Non-Finnish European, 0.002%; no homozygotes.

Submission:

Ambry Genetics
Classification: Uncertain significance for Inborn genetic diseases. Last evaluated: 2024-12-12. Review status: criteria provided, single submitter. Criteria: Ambry Variant Classification Scheme 2023. Collection method: clinical testing. Allele origin: germline.
Comment: The p.G45D variant (also known as c.134G>A), located in coding exon 2 of the HAX1 gene, results from a G to A substitution at nucleotide position 134. The glycine at codon 45 is replaced by aspartic acid, an amino acid with similar properties. This amino acid position is conserved. In addition, this alteration is predicted to be tolerated by in silico analysis. Based on the available evidence, the clinical significance of this variant remains unclear.